The following is an entry in ClinVar:

NM_000264.5(PTCH1):c.3204C>G (p.Phe1068Leu)

Gene: PTCH1 (patched 1; minus strand). Cytogenetic location: 9q22.32.
Variant type: single nucleotide variant.
Coding change: c.3204C>G on transcript NM_000264.5 (MANE Select); coding-DNA position 3204, C replaced by G.
Protein change: p.Phe1068Leu; replaces phenylalanine 1068 with leucine.
Molecular consequence: missense variant. On other transcripts: non-coding transcript variant (1).
Genome position (GRCh38, 1-based): chr9:95,456,378, G>C on the plus strand (C>G on the coding strand, the complement: PTCH1 is on the minus strand). VCF-style: chr9-95456378-G-C. GRCh37 (hg19) VCF-style: chr9-98218660-G-C.
Other names: c.3204C>G (NM_000264.4); c.3006C>G, p.Phe1002Leu (NM_001083602.3); c.3201C>G, p.Phe1067Leu (NM_001083603.3); c.2751C>G, p.Phe917Leu (NM_001083604.3, NM_001083605.3, NM_001083606.3 and 1 more transcripts); c.3048C>G, p.Phe1016Leu (NM_001354918.2); short protein forms F1002L, F1068L, F917L, F1016L, F1067L.
Identifiers: ClinVar variation 524508 (VCV000524508.17), dbSNP rs762419846, ClinGen allele CA374112160.

ClinVar aggregate classification (germline): Uncertain significance. Review status: criteria provided, multiple submitters, no conflicts (2 of 4 stars). 5 submissions from 5 submitters: Uncertain significance (5). Last evaluated 2025-12-29.

Conditions:
Hereditary cancer-predisposing syndrome. Also called: Tumor predisposition; Hereditary neoplastic syndrome; Neoplastic Syndromes, Hereditary; Hereditary Cancer Syndrome. Identifiers: Orphanet 140162, MedGen C0027672, MeSH D009386, MONDO:0015356.
Gorlin syndrome. Also called: Basal cell nevus syndrome; Nevoid Basal Cell Carcinoma Syndrome. Identifiers: Orphanet 377, MedGen C0004779, MONDO:0007187.

gnomAD v4.1: 7 of 1,614,024 alleles (0.00043%); highest among the groups gnomAD compares: Non-Finnish European, 0.00059%; no homozygotes.

Submissions (5):

Ambry Genetics
Classification: Uncertain significance for Hereditary cancer-predisposing syndrome. Last evaluated: 2025-12-29. Review status: criteria provided, single submitter. Criteria: Ambry Variant Classification Scheme 2023. Collection method: clinical testing. Allele origin: germline.
Comment: The c.3204C>G (p.F1068L) alteration is located in exon 19 (coding exon 19) of the PTCH1 gene. This alteration results from a C to G substitution at nucleotide position 3204, causing the phenylalanine (F) at amino acid position 1068 to be replaced by a leucine (L). Based on data from gnomAD, the G allele has an overall frequency of <0.001% (1/251156) total alleles studied. The highest observed frequency was 0.001% (1/113648) of European (non-Finnish) alleles. Based on insufficient or conflicting evidence, the clinical significance of this alteration remains unclear.

Labcorp Genetics (formerly Invitae), Labcorp
Classification: Uncertain significance for Gorlin syndrome. Last evaluated: 2025-12-15. Review status: criteria provided, single submitter. Criteria: Invitae Variant Classification Sherloc (09022015). Collection method: clinical testing. Allele origin: germline.
Comment: This sequence change replaces phenylalanine, which is neutral and non-polar, with leucine, which is neutral and non-polar, at codon 1068 of the PTCH1 protein (p.Phe1068Leu). This variant is not present in population databases (gnomAD no frequency). This variant has not been reported in the literature in individuals affected with PTCH1-related conditions. ClinVar contains an entry for this variant (Variation ID: 524508). Invitae Evidence Modeling of protein sequence and biophysical properties (such as structural, functional, and spatial information, amino acid conservation, physicochemical variation, residue mobility, and thermodynamic stability) has been performed for this missense variant. However, the output from this modeling did not meet the statistical confidence thresholds required to predict the impact of this variant on PTCH1 protein function. In summary, the available evidence is currently insufficient to determine the role of this variant in disease. Therefore, it has been classified as a Variant of Uncertain Significance.

Dasa
Classification: Uncertain significance. Last evaluated: 2025-02-27. Review status: criteria provided, single submitter. Criteria: DASA Assertion Criteria. Collection method: clinical testing. Allele origin: germline.
Comment: NM_000264.5(PTCH1):c.3204C>G (p.Phe1068Leu) is a missense variant that results in the substitution of phenylalanine with leucine. This variant is rare in population databases. The currently available literature and clinical evidence are not sufficient to establish a definitive association between this variant and the reported condition. Therefore, this variant is classified as a variant of uncertain significance.

Quest Diagnostics Nichols Institute San Juan Capistrano
Classification: Uncertain significance. Last evaluated: 2023-07-28. Review status: criteria provided, single submitter. Criteria: Quest Diagnostics criteria. Collection method: clinical testing. Allele origin: unknown.
Comment: This variant has not been reported in the published literature. The frequency of this variant in the general population, 0.000004 (1/251156 chromosomes (Genome Aggregation Database)), is uninformative in the assessment of its pathogenicity. Analysis of this variant using bioinformatics tools for the prediction of the effect of amino acid changes on protein structure and function yielded conflicting predictions that this variant is deleterious or benign. Based on the available information, we are unable to determine the clinical significance of this variant.

GeneDx
Classification: Uncertain significance. Last evaluated: 2023-03-07. Review status: criteria provided, single submitter. Criteria: GeneDx Variant Classification Process June 2021. Collection method: clinical testing. Allele origin: germline. Affected: yes.
Comment: Not observed at significant frequency in large population cohorts (gnomAD); In silico analysis supports that this missense variant has a deleterious effect on protein structure/function; Has not been previously published as pathogenic or benign to our knowledge; This variant is associated with the following publications: (PMID: 27149842)